The following is an entry in ClinVar:

NM_001378457.1(DMXL2):c.4840A>G (p.Ile1614Val)

Gene: DMXL2 (Dmx like 2; minus strand). Cytogenetic location: 15q21.2.
Variant type: single nucleotide variant.
Coding change: c.4840A>G on transcript NM_001378457.1 (MANE Select); coding-DNA position 4840, A replaced by G.
Protein change: p.Ile1614Val; replaces isoleucine 1614 with valine.
Molecular consequence: missense variant. On other transcripts: non-coding transcript variant (2).
Genome position (GRCh38, 1-based): chr15:51,491,691, T>C on the plus strand (A>G on the coding strand, the complement: DMXL2 is on the minus strand). VCF-style: chr15-51491691-T-C. GRCh37 (hg19) VCF-style: chr15-51783888-T-C.
Other names: c.4840A>G, p.Ile1614Val (NM_001378462.1, NM_001378463.1, NM_015263.5 and 4 more transcripts); c.4600A>G, p.Ile1534Val (NM_001378464.1); c.2932A>G, p.Ile978Val (NM_001174117.3); c.2821A>G, p.Ile941Val (NM_001378460.1); short protein forms I1534V, I1614V, I941V, I978V.
Identifiers: ClinVar variation 3083273 (VCV003083273.3), dbSNP rs1431258097, ClinGen allele CA392428594.

ClinVar aggregate classification (germline): Uncertain significance. Review status: criteria provided, multiple submitters, no conflicts (2 of 4 stars). 2 submissions from 2 submitters: Uncertain significance (2). Last evaluated 2024-12-18.

Conditions:
Inborn genetic diseases. Identifiers: MedGen C0950123, MeSH D030342.

gnomAD v4.1: 2 of 1,613,566 alleles (0.00012%); highest among the groups gnomAD compares: Non-Finnish European, 0.00017%; no homozygotes.

Submissions (2):

Labcorp Genetics (formerly Invitae), Labcorp
Classification: Uncertain significance. Last evaluated: 2024-12-18. Review status: criteria provided, single submitter. Criteria: Invitae Variant Classification Sherloc (09022015). Collection method: clinical testing. Allele origin: germline.
Comment: This sequence change replaces isoleucine, which is neutral and non-polar, with valine, which is neutral and non-polar, at codon 1614 of the DMXL2 protein (p.Ile1614Val). This variant is not present in population databases (gnomAD no frequency). This variant has not been reported in the literature in individuals affected with DMXL2-related conditions. ClinVar contains an entry for this variant (Variation ID: 3083273). An algorithm developed to predict the effect of missense changes on protein structure and function (PolyPhen-2) suggests that this variant is likely to be tolerated. In summary, the available evidence is currently insufficient to determine the role of this variant in disease. Therefore, it has been classified as a Variant of Uncertain Significance.

Ambry Genetics
Classification: Uncertain significance for Inborn genetic diseases. Last evaluated: 2024-02-27. Review status: criteria provided, single submitter. Criteria: Ambry Variant Classification Scheme 2023. Collection method: clinical testing. Allele origin: germline.